The following is an entry in ClinVar:

NM_000179.3(MSH6):c.1764C>T (p.His588=)

Gene: MSH6 (mutS homolog 6; plus strand). Cytogenetic location: 2p16.3.
Variant type: single nucleotide variant.
Coding change: c.1764C>T on transcript NM_000179.3 (MANE Select); coding-DNA position 1764, C replaced by T.
Protein change: p.His588=; no amino-acid change (histidine 588 retained).
Molecular consequence: synonymous variant.
Genome position (GRCh38, 1-based): chr2:47,799,747, C>T. VCF-style: chr2-47799747-C-T. GRCh37 (hg19) VCF-style: chr2-48026886-C-T.
Other names: c.1374C>T, p.His458= (NM_001281492.2); c.858C>T, p.His286= (NM_001281493.2, NM_001281494.2).
Identifiers: ClinVar variation 511135 (VCV000511135.16), dbSNP rs1553413140, ClinGen allele CA426121095.

ClinVar aggregate classification (germline): Benign/Likely benign. Review status: criteria provided, multiple submitters, no conflicts (2 of 4 stars). 5 submissions from 5 submitters: Benign (1); Likely benign (4). Last evaluated 2024-12-27.

Conditions:
Hereditary nonpolyposis colorectal neoplasms. Identifiers: MedGen C0009405, MeSH D003123.
Hereditary cancer-predisposing syndrome. Also called: Hereditary neoplastic syndrome; Hereditary Cancer Syndrome; Neoplastic Syndromes, Hereditary; Tumor predisposition. Identifiers: Orphanet 140162, MedGen C0027672, MeSH D009386, MONDO:0015356.
Lynch syndrome 5 (LYNCH5). Also called: Hereditary non-polyposis colorectal cancer, type 5; Colorectal cancer, hereditary nonpolyposis, type 5. Identifiers: Orphanet 144, MedGen C1833477, MONDO:0013710, OMIM 614350. Disease mechanism: loss of function.

Submissions (5):

Myriad Genetics, Inc.
Classification: Benign for Lynch syndrome 5. Last evaluated: 2024-12-27. Review status: criteria provided, single submitter. Criteria: Myriad Autosomal Dominant, Autosomal Recessive and X-Linked Classification Criteria (2023). Collection method: clinical testing. Allele origin: unknown.
Comment: This variant is considered benign. This variant is a silent/synonymous amino acid change and it is not expected to impact splicing.

Labcorp Genetics (formerly Invitae), Labcorp
Classification: Likely benign for Hereditary nonpolyposis colorectal neoplasms. Last evaluated: 2024-03-30. Review status: criteria provided, single submitter. Criteria: Invitae Variant Classification Sherloc (09022015). Collection method: clinical testing. Allele origin: germline.

Color Diagnostics, LLC DBA Color Health
Classification: Likely benign for Hereditary cancer-predisposing syndrome. Last evaluated: 2020-02-19. Review status: criteria provided, single submitter. Criteria: ACMG Guidelines, 2015. Collection method: clinical testing. Allele origin: germline.

Ambry Genetics
Classification: Likely benign for Hereditary cancer-predisposing syndrome. Last evaluated: 2019-10-31. Review status: criteria provided, single submitter. Criteria: Ambry Variant Classification Scheme 2023. Collection method: clinical testing. Allele origin: germline.

GeneDx
Classification: Likely benign. Last evaluated: 2017-07-26. Review status: criteria provided, single submitter. Criteria: GeneDx Variant Classification (06012015). Collection method: clinical testing. Allele origin: germline. Affected: yes.
Comment: This variant is considered likely benign or benign based on one or more of the following criteria: it is a conservative change, it occurs at a poorly conserved position in the protein, it is predicted to be benign by multiple in silico algorithms, and/or has population frequency not consistent with disease.